The following is an entry in ClinVar:

ClinVar aggregate classification (germline): Benign/Likely benign. Review status: criteria provided, multiple submitters, no conflicts (2 of 4 stars). 2 submissions from 2 submitters: Benign (1); Likely benign (1). Last evaluated 2025-01-27.

Conditions:
Lynch syndrome 4 (LYNCH4). Also called: Hereditary non-polyposis colorectal cancer, type 4; Colorectal cancer, hereditary nonpolyposis, type 4. Identifiers: Orphanet 144, MedGen C1838333, MONDO:0013699, OMIM 614337. Disease mechanism: loss of function.
Hereditary nonpolyposis colorectal neoplasms. Identifiers: MedGen C0009405, MeSH D003123.

Submissions (2):

Myriad Genetics, Inc.
Classification: Benign for Lynch syndrome 4. Last evaluated: 2025-01-27. Review status: criteria provided, single submitter. Criteria: Myriad Autosomal Dominant, Autosomal Recessive and X-Linked Classification Criteria (2023). Collection method: clinical testing. Allele origin: unknown.
Comment: This variant is considered benign. This variant is a silent/synonymous amino acid change and it is not expected to impact splicing.

Labcorp Genetics (formerly Invitae), Labcorp
Classification: Likely benign for Hereditary nonpolyposis colorectal neoplasms. Last evaluated: 2024-03-05. Review status: criteria provided, single submitter. Criteria: Invitae Variant Classification Sherloc (09022015). Collection method: clinical testing. Allele origin: germline.

NM_000535.7(PMS2):c.663C>G (p.Pro221=)

Gene: PMS2 (PMS1 homolog 2, mismatch repair system component; minus strand). Cytogenetic location: 7p22.1.
Variant type: single nucleotide variant.
Coding change: c.663C>G on transcript NM_000535.7 (MANE Select); coding-DNA position 663, C replaced by G.
Protein change: p.Pro221=; no amino-acid change (proline 221 retained).
Molecular consequence: synonymous variant. On other transcripts: 5 prime UTR variant (2), non-coding transcript variant (1), intron variant (9).
Genome position (GRCh38, 1-based): chr7:5,999,150, G>C on the plus strand (C>G on the coding strand, the complement: PMS2 is on the minus strand). VCF-style: chr7-5999150-G-C. GRCh37 (hg19) VCF-style: chr7-6038781-G-C.
Other names: c.258C>G, p.Pro86= (NM_001018040.1, NM_001322003.2, NM_001322004.2 and 20 more transcripts); c.663C>G, p.Pro221= (NM_001322006.2, NM_001322014.2, NM_001406870.1 and 4 more transcripts); c.345C>G, p.Pro115= (NM_001322007.2, NM_001322008.2, NM_001406876.1 and 4 more transcripts); c.-271C>G (NM_001322011.2, NM_001322012.2); c.354C>G, p.Pro118= (NM_001322015.2, NM_001406875.1, NM_001406877.1 and 6 more transcripts); c.849C>G, p.Pro283= (NM_001406866.1); c.687C>G, p.Pro229= (NM_001406868.1); c.327C>G, p.Pro109= (NM_001406885.1); and 6 more.
Identifiers: ClinVar variation 3009698 (VCV003009698.4), dbSNP rs878854057, ClinGen allele CA453646825.
Genomic context (GRCh38, chr7:5,999,150, plus strand): 5'-GTAACCGGCCATCACTACCTGCTTCTGCCCAAACACAGAGCCGATATTTTCCTTTATGCT[G>C]GGGCTTCCACCTGTGCATACCACAGGCTGTCGTTTTCCTTGTCCAAGCTGATTGGTGCAA-3'
Protein context (NP_000526.2, residues 211-231): RQPVVCTGGS[Pro221=]SIKENIGSVF